The following is an entry in ClinVar:

ClinVar aggregate classification (germline): Uncertain significance (1 of 4 stars; one submission).

Conditions:
46,XY sex reversal 9 (SRXY9). Also called: 46,XY SEX REVERSAL, ZFPM2-RELATED. Identifiers: Orphanet 251510, MedGen C4015129, MONDO:0014480, OMIM 616067.

Submission:

Labcorp Genetics (formerly Invitae), Labcorp
Classification: Uncertain significance for 46,XY sex reversal 9. Last evaluated: 2022-04-01. Review status: criteria provided, single submitter. Criteria: Invitae Variant Classification Sherloc (09022015). Collection method: clinical testing. Allele origin: germline.
Comment: In summary, the available evidence is currently insufficient to determine the role of this variant in disease. Therefore, it has been classified as a Variant of Uncertain Significance. Algorithms developed to predict the effect of missense changes on protein structure and function are either unavailable or do not agree on the potential impact of this missense change (SIFT: "Deleterious"; PolyPhen-2: "Probably Damaging"; Align-GVGD: "Class C0"). This variant has not been reported in the literature in individuals affected with ZFPM2-related conditions. This variant is not present in population databases (gnomAD no frequency). This sequence change replaces aspartic acid, which is acidic and polar, with glutamic acid, which is acidic and polar, at codon 831 of the ZFPM2 protein (p.Asp831Glu).

NM_012082.4(ZFPM2):c.2493T>G (p.Asp831Glu)

Genes: ZFPM2 (zinc finger protein, FOG family member 2; plus strand), ZFPM2-AS1 (ZFPM2 antisense RNA 1; minus strand), LOC126860469 (BRD4-independent group 4 enhancer GRCh37_chr8:106814445-106815644; plus strand). Cytogenetic location: 8q23.1.
Variant type: single nucleotide variant.
Coding change: c.2493T>G on transcript NM_012082.4 (MANE Select); coding-DNA position 2493, T replaced by G.
Protein change: p.Asp831Glu; replaces aspartic acid 831 with glutamic acid.
Molecular consequence: missense variant.
Genome position (GRCh38, 1-based): chr8:105,802,575, T>G. VCF-style: chr8-105802575-T-G. GRCh37 (hg19) VCF-style: chr8-106814803-T-G.
Other names: c.2334T>G, p.Asp778Glu (NM_001362836.2); c.2097T>G, p.Asp699Glu (NM_001362837.2); short protein forms D831E, D699E, D778E.
Identifiers: ClinVar variation 2106698 (VCV002106698.4), dbSNP rs2488160239, ClinGen allele CA371954193.
Genomic context (GRCh38, chr8:105,802,575, plus strand): 5'-TTCCAAATGTGATACTACTCATTCCAGTGTTTCCTGCCTAGAGATGGACGTGCCCATAGA[T>G]CTCAGCAAAAAGTGTTTATCTCAGTCTGAGCGGACGACCACGTCTCCCAAAAGGCTGCTG-3'
Protein context (NP_036214.2, residues 821-841): VSCLEMDVPI[Asp831Glu]LSKKCLSQSE